The following is an entry in ClinVar:

NM_001172509.2(SATB2):c.1278A>C (p.Glu426Asp)

Gene: SATB2 (SATB homeobox 2; minus strand). Cytogenetic location: 2q33.1.
Variant type: single nucleotide variant.
Coding change: c.1278A>C on transcript NM_001172509.2 (MANE Select); coding-DNA position 1278, A replaced by C.
Protein change: p.Glu426Asp; replaces glutamic acid 426 with aspartic acid.
Molecular consequence: missense variant.
Genome position (GRCh38, 1-based): chr2:199,328,806, T>G on the plus strand (A>C on the coding strand, the complement: SATB2 is on the minus strand). VCF-style: chr2-199328806-T-G. GRCh37 (hg19) VCF-style: chr2-200193529-T-G.
Other names: c.1278A>C, p.Glu426Asp (NM_001172517.1, NM_015265.4); short protein forms E426D.
Identifiers: ClinVar variation 964267 (VCV000964267.8), dbSNP rs775219160, ClinGen allele CA2045921.

ClinVar aggregate classification (germline): Uncertain significance (1 of 4 stars; one submission).

Conditions:
Chromosome 2q32-q33 deletion syndrome (GLASS). Also called: 2q33.1 deletion syndrome; Glass syndrome. Identifiers: Orphanet 251019, MedGen C2676739, MONDO:0012864, OMIM 612313.

Allele frequency attached by ClinVar (database versions not stated): gnomAD exomes below 0.00001; ExAC 0.00001; TOPMed 0.00001.
gnomAD v4.1: 26 of 1,613,944 alleles (0.0016%); highest among the groups gnomAD compares: Non-Finnish European, 0.0022%; no homozygotes.

Submission:

Labcorp Genetics (formerly Invitae), Labcorp
Classification: Uncertain significance for Chromosome 2q32-q33 deletion syndrome. Last evaluated: 2023-07-10. Review status: criteria provided, single submitter. Criteria: Invitae Variant Classification Sherloc (09022015). Collection method: clinical testing. Allele origin: germline.
Comment: In summary, the available evidence is currently insufficient to determine the role of this variant in disease. Therefore, it has been classified as a Variant of Uncertain Significance. Advanced modeling performed at Invitae incorporating data from internal and/or published experimental studies (Invitae) indicates that this missense variant is not expected to disrupt SATB2 function. ClinVar contains an entry for this variant (Variation ID: 964267). This variant has not been reported in the literature in individuals affected with SATB2-related conditions. This variant is present in population databases (rs775219160, gnomAD 0.002%). This sequence change replaces glutamic acid, which is acidic and polar, with aspartic acid, which is acidic and polar, at codon 426 of the SATB2 protein (p.Glu426Asp).